The following is an entry in ClinVar:

ClinVar aggregate classification (germline): Uncertain significance. Review status: criteria provided, multiple submitters, no conflicts (2 of 4 stars). 2 submissions from 2 submitters: Uncertain significance (2). Last evaluated 2025-09-27.

Conditions:
Inborn genetic diseases. Identifiers: MedGen C0950123, MeSH D030342.
Spastic paraplegia. Identifiers: MedGen C0037772, HP:0001258.

Submissions (2):

Ambry Genetics
Classification: Uncertain significance for Inborn genetic diseases. Last evaluated: 2025-09-27. Review status: criteria provided, single submitter. Criteria: Ambry Variant Classification Scheme 2023. Collection method: clinical testing. Allele origin: germline.

Labcorp Genetics (formerly Invitae), Labcorp
Classification: Uncertain significance for Spastic paraplegia. Last evaluated: 2023-12-16. Review status: criteria provided, single submitter. Criteria: Invitae Variant Classification Sherloc (09022015). Collection method: clinical testing. Allele origin: germline.
Comment: This sequence change replaces arginine, which is basic and polar, with leucine, which is neutral and non-polar, at codon 891 of the KIF5A protein (p.Arg891Leu). This variant is not present in population databases (gnomAD no frequency). This variant has not been reported in the literature in individuals affected with KIF5A-related conditions. Advanced modeling of protein sequence and biophysical properties (such as structural, functional, and spatial information, amino acid conservation, physicochemical variation, residue mobility, and thermodynamic stability) has been performed at Invitae for this missense variant, however the output from this modeling did not meet the statistical confidence thresholds required to predict the impact of this variant on KIF5A protein function. In summary, the available evidence is currently insufficient to determine the role of this variant in disease. Therefore, it has been classified as a Variant of Uncertain Significance.

NM_004984.4(KIF5A):c.2672G>T (p.Arg891Leu)

Gene: KIF5A (kinesin family member 5A; plus strand). Cytogenetic location: 12q13.3.
Variant type: single nucleotide variant.
Coding change: c.2672G>T on transcript NM_004984.4 (MANE Select); coding-DNA position 2672, G replaced by T.
Protein change: p.Arg891Leu; replaces arginine 891 with leucine.
Molecular consequence: missense variant.
Genome position (GRCh38, 1-based): chr12:57,581,089, G>T. VCF-style: chr12-57581089-G-T. GRCh37 (hg19) VCF-style: chr12-57974872-G-T.
Other names: c.2672G>T (NM_004984.2); c.2405G>T, p.Arg802Leu (NM_001354705.2); short protein forms R891L, R802L.
Identifiers: ClinVar variation 2729368 (VCV002729368.4), dbSNP rs767911747, ClinGen allele CA385515259.